The following is an entry in ClinVar:

ClinVar aggregate classification (germline): Conflicting classifications of pathogenicity. Review status: criteria provided, conflicting classifications (1 of 4 stars). 3 submissions from 3 submitters: Likely pathogenic (2); Uncertain significance (1). Last evaluated 2025-09-04.

Conditions:
Alport syndrome. Also called: Hemorrhagic familial nephritis; Hemorrhagic hereditary nephritis; Congenital hereditary hematuria. Identifiers: Orphanet 63, MedGen C1567741, MONDO:0018965.
Autosomal dominant Alport syndrome (ATS3A). Also called: Alport syndrome dominant type; Renal failure and sensorineural hearing loss; ALPORT SYNDROME 3A, AUTOSOMAL DOMINANT. Identifiers: Orphanet 63, Orphanet 88918, MedGen C5882663, MONDO:0007086, OMIM 104200.

Allele frequency attached by ClinVar (database versions not stated): gnomAD exomes below 0.00001; ExAC 0.00001.
gnomAD v4.1: 1 of 1,612,216 alleles (0.000062%); highest among the groups gnomAD compares: South Asian, 0.0011%; no homozygotes.

Submissions (3):

Natera, Inc.
Classification: Likely pathogenic for Alport syndrome. Last evaluated: 2025-09-04. Review status: criteria provided, single submitter. Criteria: Natera Variant Classification Schema (03/2026). Collection method: clinical testing. Allele origin: germline.
Comment: The c.398G>T variant in COL4A3 is a missense variant predicted to cause substitution of glycine to valine at amino acid 133. This variant is rare in the general population with a frequency below the threshold expected for the associated phenotype(s). This variant is located in a functionally critical region of the protein. Computational prediction algorithms indicate this variant is likely to affect gene or protein function. Given the available evidence, this variant is classified as Likely Pathogenic.

Labcorp Genetics (formerly Invitae), Labcorp
Classification: Likely pathogenic. Last evaluated: 2021-12-25. Review status: criteria provided, single submitter. Criteria: Invitae Variant Classification Sherloc (09022015). Collection method: clinical testing. Allele origin: germline.
Comment: In summary, the currently available evidence indicates that the variant is pathogenic, but additional data are needed to prove that conclusively. Therefore, this variant has been classified as Likely Pathogenic. Algorithms developed to predict the effect of sequence changes on RNA splicing suggest that this variant may create or strengthen a splice site. Advanced modeling of protein sequence and biophysical properties (such as structural, functional, and spatial information, amino acid conservation, physicochemical variation, residue mobility, and thermodynamic stability) performed at Invitae indicates that this missense variant is expected to disrupt COL4A3 protein function. This missense change has been observed in individual(s) with clinical features of Alport syndrome (Invitae). It has also been observed to segregate with disease in related individuals. The frequency data for this variant in the population databases is considered unreliable, as metrics indicate poor data quality at this position in the gnomAD database. This sequence change replaces glycine, which is neutral and non-polar, with valine, which is neutral and non-polar, at codon 133 of the COL4A3 protein (p.Gly133Val).

Neuberg Centre For Genomic Medicine, NCGM
Classification: Uncertain significance for Autosomal dominant Alport syndrome. Review status: criteria provided, single submitter. Criteria: ACMG Guidelines, 2015. Collection method: clinical testing. Allele origin: germline. Inheritance: Autosomal dominant inheritance. Affected: yes.
Comment: The observed missense c.398G>T (p.Gly133Val) variant in COL4A3 gene has not been reported previously as a pathogenic variant nor as a benign variant, to our knowledge. The p.Gly133Val variant is present with allele frequency of 0.0004% in gnomAD Exomes. This variant has been submitted to the ClinVar database as Likely Pathogenic. Multiple lines of computational evidence (Polyphen - Probably Damaging, SIFT - Damaging and MutationTaster - Disease causing) predict a damaging effect on protein structure and function for this variant. The reference amino acid of p.Gly133Val in COL4A3 is predicted as conserved by GERP++ and PhyloP across 100 vertebrates. The amino acid Gly at position 133 is changed to a Val changing protein sequence and it might alter its composition and physico-chemical properties. However, additional functional studies will be required to prove the pathogenicity of this variant. For these reasons, this variant has been classified as a Variant of Uncertain Significance (VUS).

NM_000091.5(COL4A3):c.398G>T (p.Gly133Val)

Genes: COL4A3 (collagen type IV alpha 3 chain; plus strand), MFF-DT (MFF divergent transcript; minus strand). Cytogenetic location: 2q36.3.
Variant type: single nucleotide variant.
Coding change: c.398G>T on transcript NM_000091.5 (MANE Select); coding-DNA position 398, G replaced by T.
Protein change: p.Gly133Val; replaces glycine 133 with valine.
Molecular consequence: missense variant.
Genome position (GRCh38, 1-based): chr2:227,246,695, G>T. VCF-style: chr2-227246695-G-T. GRCh37 (hg19) VCF-style: chr2-228111411-G-T.
Other names: c.398G>T (NM_000091.4); short protein forms G133V.
Identifiers: ClinVar variation 1474815 (VCV001474815.8), dbSNP rs750189238, ClinGen allele CA2146080.